The following is an entry in ClinVar:

NM_005428.4(VAV1):c.321G>A (p.Lys107=)

Gene: VAV1 (vav guanine nucleotide exchange factor 1; plus strand). Cytogenetic location: 19p13.3.
Variant type: single nucleotide variant.
Coding change: c.321G>A on transcript NM_005428.4 (MANE Select); coding-DNA position 321, G replaced by A.
Protein change: p.Lys107=; no amino-acid change (lysine 107 retained).
Molecular consequence: synonymous variant.
Genome position (GRCh38, 1-based): chr19:6,820,818, G>A. VCF-style: chr19-6820818-G-A. GRCh37 (hg19) VCF-style: chr19-6820829-G-A.
Other names: c.321G>A, p.Lys107= (NM_001258206.2, NM_001258207.2).
Identifiers: ClinVar variation 1928853 (VCV001928853.5), dbSNP rs951885642, ClinGen allele CA304798416.

ClinVar aggregate classification (germline): Uncertain significance (1 of 4 stars; one submission).

Allele frequency attached by ClinVar (database versions not stated): TOPMed 0.00001; gnomAD 0.00002; gnomAD exomes 0.00004.
gnomAD v4.1: 62 of 1,613,822 alleles (0.0038%); highest among the groups gnomAD compares: Non-Finnish European, 0.005%; no homozygotes.

Submission:

Labcorp Genetics (formerly Invitae), Labcorp
Classification: Uncertain significance. Last evaluated: 2025-06-04. Review status: criteria provided, single submitter. Criteria: Invitae Variant Classification Sherloc (09022015). Collection method: clinical testing. Allele origin: germline.
Comment: This sequence change affects codon 107 of the VAV1 mRNA. It is a 'silent' change, meaning that it does not change the encoded amino acid sequence of the VAV1 protein. This variant also falls at the last nucleotide of exon 2, which is part of the consensus splice site for this exon. This variant is present in population databases (no rsID available, gnomAD 0.003%). This variant has not been reported in the literature in individuals affected with VAV1-related conditions. ClinVar contains an entry for this variant (Variation ID: 1928853). Variants that disrupt the consensus splice site are a relatively common cause of aberrant splicing (PMID: 17576681, 9536098). Algorithms developed to predict the effect of sequence changes on RNA splicing suggest that this variant is not likely to affect RNA splicing. In summary, the available evidence is currently insufficient to determine the role of this variant in disease. Therefore, it has been classified as a Variant of Uncertain Significance.

Literature cited by the submitters: PubMed 17576681; PubMed 9536098.